The following is an entry in ClinVar:

ClinVar aggregate classification (germline): Benign/Likely benign. Review status: criteria provided, multiple submitters, no conflicts (2 of 4 stars). 3 submissions from 3 submitters: Benign (1); Likely benign (2). Last evaluated 2026-07-29.

Conditions:
Hereditary pheochromocytoma and paraganglioma. Also called: Hereditary Paraganglioma-Pheochromocytoma Syndromes; Hereditary paragangliomas and pheochromocytomas; Hereditary pheochromocytoma-paraganglioma. Identifiers: Orphanet 29072, MedGen C4274332, MONDO:0017366.
Hereditary cancer-predisposing syndrome. Also called: Hereditary Cancer Syndrome; Hereditary neoplastic syndrome; Neoplastic Syndromes, Hereditary; Tumor predisposition. Identifiers: Orphanet 140162, MedGen C0027672, MeSH D009386, MONDO:0015356.

Submissions (3):

Myriad Genetics, Inc.
Classification: Benign for Hereditary pheochromocytoma and paraganglioma. Last evaluated: 2026-07-29. Review status: criteria provided, single submitter. Criteria: Myriad Autosomal Dominant, Autosomal Recessive and X-Linked Classification Criteria (2023). Collection method: clinical testing. Allele origin: unknown.
Comment: This variant is considered benign. This variant is a silent/synonymous amino acid change and it is not expected to impact splicing.

Labcorp Genetics (formerly Invitae), Labcorp
Classification: Likely benign for Hereditary pheochromocytoma and paraganglioma. Last evaluated: 2025-07-14. Review status: criteria provided, single submitter. Criteria: Invitae Variant Classification Sherloc (09022015). Collection method: clinical testing. Allele origin: germline.

Ambry Genetics
Classification: Likely benign for Hereditary cancer-predisposing syndrome. Last evaluated: 2019-04-22. Review status: criteria provided, single submitter. Criteria: Ambry Variant Classification Scheme 2023. Collection method: clinical testing. Allele origin: germline.

NM_017849.4(TMEM127):c.210C>T (p.Asp70=)

Gene: TMEM127 (transmembrane protein 127; minus strand). Cytogenetic location: 2q11.2.
Variant type: single nucleotide variant.
Coding change: c.210C>T on transcript NM_017849.4 (MANE Select); coding-DNA position 210, C replaced by T.
Protein change: p.Asp70=; no amino-acid change (aspartic acid 70 retained).
Molecular consequence: synonymous variant.
Genome position (GRCh38, 1-based): chr2:96,265,172, G>A on the plus strand (C>T on the coding strand, the complement: TMEM127 is on the minus strand). VCF-style: chr2-96265172-G-A. GRCh37 (hg19) VCF-style: chr2-96930910-G-A.
Other names: c.210C>T, p.Asp70= (NM_001193304.3).
Identifiers: ClinVar variation 463840 (VCV000463840.14), dbSNP rs1553437721, ClinGen allele CA427496286.